The following is an entry in ClinVar:

NM_004603.4(STX1A):c.722_724del (p.Val241del)

Gene: STX1A (syntaxin 1A; minus strand). Cytogenetic location: 7q11.23.
Variant type: Deletion.
Coding change: c.722_724del on transcript NM_004603.4 (MANE Select); coding-DNA positions 722 to 724, 3 bases deleted (TAG; older notation c.722_724delTAG).
Protein change: p.Val241del; deletes valine 241.
Molecular consequence: inframe deletion. On other transcripts: splice acceptor variant (1).
Genome position (GRCh38, 1-based): chr7:73,700,795-73,700,797, CTA deleted on the plus strand (TAG on the coding strand, the reverse complement: STX1A is on the minus strand); deleting any 3 consecutive bases within chr7:73,700,795-73,700,798 gives the same sequence; the c. name uses the placement nearest the transcript's 3' end. VCF-style (leftmost placement, unchanged base first): chr7-73700794-TCTA-T. GRCh37 (hg19) VCF-style: chr7-73115124-TCTA-T.
Other names: c.679-3_679-1del (NM_001165903.2); short protein forms V241del.
Identifiers: ClinVar variation 1679132 (VCV001679132.1), dbSNP rs2116724168, ClinGen allele CA2573142291.

ClinVar aggregate classification (germline): Likely pathogenic (1 of 4 stars; one submission).

Conditions:
Autism (AUTS). Also called: Autistic disorder of childhood onset; Autistic disorder. Identifiers: MedGen C0004352, MeSH D001321, MONDO:0005260, OMIM 209850, HP:0000717.
Intellectual disability. Also called: Intellectual developmental disorder; Intellectual functioning disability; intellectual disabilities. Identifiers: MedGen C3714756, MeSH D008607, MONDO:0001071, HP:0001249.

Submission:

Institute of Human Genetics, University of Leipzig Medical Center
Classification: Likely pathogenic for Intellectual disability; Autism. Last evaluated: 2022-04-22. Review status: criteria provided, single submitter. Criteria: ACMG Guidelines, 2015. Collection method: research. Allele origin: de novo. Affected: yes.
Comment: This variant was identified as de novo.

Literature cited by the submitters: DOI doi.org/10.1101/2022.04.20.22274073.